The following is an entry in ClinVar:

NM_001267550.2(TTN):c.26038_26039del (p.Lys8680fs)

Gene: TTN (titin; minus strand). Cytogenetic location: 2q31.2.
Variant type: Deletion.
Coding change: c.26038_26039del on transcript NM_001267550.2 (MANE Select); coding-DNA positions 26038 to 26039, 2 bases deleted (AA; older notation c.26038_26039delAA).
Protein change: p.Lys8680fs; shifts the reading frame from lysine 8680.
Molecular consequence: frameshift variant. On other transcripts: intron variant (3).
Genome position (GRCh38, 1-based): chr2:178,715,147-178,715,148, TT deleted on the plus strand (AA on the coding strand, the reverse complement: TTN is on the minus strand). VCF-style (leftmost placement, unchanged base first): chr2-178715146-CTT-C. GRCh37 (hg19) VCF-style: chr2-179579873-CTT-C.
Other names: c.25087_25088del, p.Lys8363fs (NM_001256850.1); c.22306_22307del, p.Lys7436fs (NM_133378.4); c.13282+22934_13282+22935del (NM_003319.4); c.13858+22934_13858+22935del (NM_133437.4); c.13657+22934_13657+22935del (NM_133432.3); short protein forms K7436fs, K8363fs, K8680fs.
Identifiers: ClinVar variation 3766616 (VCV003766616.1).

ClinVar aggregate classification (germline): Uncertain significance (1 of 4 stars; one submission).

Submission:

ARUP Laboratories, Molecular Genetics and Genomics, ARUP Laboratories
Classification: Uncertain significance. Last evaluated: 2024-05-14. Review status: criteria provided, single submitter. Criteria: ARUP Molecular Germline Variant Investigation Process 2024. Collection method: clinical testing. Allele origin: germline.
Comment: The TTN c.26038_26039del; p.Lys8680GlufsTer4 variant, to our knowledge, is not reported in the medical literature or gene specific databases. This variant is also absent from the Genome Aggregation Database (v2.1.1), indicating it is not a common polymorphism. This variant causes a frameshift by deleting two nucleotides, so it is predicted to result in a truncated protein or mRNA subject to nonsense-mediated decay. However, the exon carrying this variant is estimated to be present in only 54% of TTN transcripts (Roberts 2015), and it is unclear if this proportion would be clinically significant, although truncating variants in this region of the gene (I-band) have also been reported in autosomal recessive myopathies (Ceyhan-Birsoy 2013, Ge 2019). Due to limited information, the clinical significance of this variant is uncertain at this time. References: Ceyhan-Birsoy O et al. Recessive truncating titin gene, TTN, mutations presenting as centronuclear myopathy. Neurology. 2013;81(14):1205-1214. PMID: 23975875. Ge L et al. Recessive mutations in proximal I-band of TTN gene cause severe congenital multi-minicore disease without cardiac involvement. Neuromuscul Disord. 2019 May;29(5):350-357. PMID: 31053406. Roberts AM et al. Integrated allelic, transcriptional, and phenomic dissection of the cardiac effects of titin truncations in health and disease. Sci Transl Med. 2015;7(270):270ra6. PMID: 25589632.